The following is an entry in ClinVar:

NM_000342.4(SLC4A1):c.1087+8C>T

Gene: SLC4A1 (solute carrier family 4 member 1 (Diego blood group); minus strand). Cytogenetic location: 17q21.31.
Variant type: single nucleotide variant.
Coding change: c.1087+8C>T on transcript NM_000342.4 (MANE Select); 8 bases into the intron after coding-DNA position 1087, C replaced by T.
Molecular consequence: intron variant.
Genome position (GRCh38, 1-based): chr17:44,258,405, G>A on the plus strand (C>T on the coding strand, the complement: SLC4A1 is on the minus strand). VCF-style: chr17-44258405-G-A. GRCh37 (hg19) VCF-style: chr17-42335773-G-A.
Identifiers: ClinVar variation 3376610 (VCV003376610.2).
Genomic context (GRCh38, chr17:44,258,405, plus strand): 5'-AGAGGCTACGCTGAGGTGTCTGGGGGTCGGTGGGGGCTCAGAAAGCCTCAGCTGGGAAGG[G>A]CAGGTACCTAGGCCCTTGTAGAAGCTGGAGTCTGGCTTGGCAGGGCTGGACTGATAGCGC-3'

ClinVar aggregate classification (germline): Conflicting classifications of pathogenicity. Review status: criteria provided, conflicting classifications (1 of 4 stars). 2 submissions from 2 submitters: Uncertain significance (1); Likely benign (1). Last evaluated 2024-10-27.

Conditions:
SLC4A1-related disorder. Also called: SLC4A1-related condition; SLC4A1-related disorders.
Autosomal dominant distal renal tubular acidosis (DRTA1). Also called: RENAL TUBULAR ACIDOSIS, DISTAL, 1; RTA, CLASSIC TYPE; RTA, DISTAL TYPE, AUTOSOMAL DOMINANT; RTA, GRADIENT TYPE; Renal Tubular Acidosis, Type I. Identifiers: Orphanet 93608, MedGen CN280572, MONDO:0008368, OMIM 179800.

gnomAD v4.1: 26 of 1,613,638 alleles (0.0016%); highest among the groups gnomAD compares: Non-Finnish European, 0.0021%; no homozygotes.

Submissions (2):

PreventionGenetics, part of Exact Sciences
Classification: Likely benign for SLC4A1-related condition. Last evaluated: 2024-10-27. Review status: criteria provided, single submitter. Criteria: ACMG Guidelines, 2015. Collection method: clinical testing. Allele origin: germline.
Comment: This variant is classified as likely benign based on ACMG/AMP sequence variant interpretation guidelines (Richards et al. 2015 PMID: 25741868, with internal and published modifications).

Victorian Clinical Genetics Services, Murdoch Childrens Research Institute
Classification: Uncertain significance for Autosomal dominant distal renal tubular acidosis. Last evaluated: 2022-02-02. Review status: criteria provided, single submitter. Criteria: ACMG Guidelines, 2015. Collection method: clinical testing. Allele origin: germline. Affected: yes.
Comment: Based on the classification scheme VCGS_Germline_v1.3.4, this variant is classified as VUS-3B. Following criteria are met: 0103 - Dominant negative and loss of function are known mechanisms of disease in this gene and are associated with SLC4A1-related disease. Spherocytosis type 4 (MIM#612653) is caused by variants with a loss of function mechanism. Cryohydrocytosis (MIM#185020), distal renal tubular acidosis 1 (dRTA; MIM#179800), dRTA 4 with hemolytic anemia (MIM#611590) and SA type ovalocytosis (SAO; MIM#166900) are caused by variants with either a loss of function, or dominant negative mechanism (PMID: 27058983). (I) 0108 - This gene is associated with both recessive and dominant disease. Most reports for this gene are for dominant disease, however, individuals biallelic for variants causing SAO have the more severe phenotype, dRTA with hemolytic anemia (OMIM, PMID: 17557941). (I) 0212 - Non-canonical splice site variant without proven consequence on splicing (no functional evidence available). (SP) 0251 - This variant is heterozygous. (I) 0304 - Variant is present in gnomAD (v2) <0.01 for a condition (3 heterozygotes, 0 homozygotes). (SP) 0505 - In silico splice tools are inconclusive and affected nucleotide is highly conserved. (I) 0705 - No comparable splice variants have previous evidence for pathogenicity. (I) 0807 - This variant has no previous evidence of pathogenicity. (I) 0905 - No published segregation evidence has been identified for this variant. (I) 1007 - No published functional evidence has been identified for this variant. (I) 1208 - Inheritance information for this variant is not currently available in this individual. (I) Legend: (SP) - Supporting pathogenic, (I) - Information, (SB) - Supporting benign

Literature cited by the submitters: PubMed 17557941 (cited by Victorian Clinical Genetics Services, Murdoch Childrens Research Institute); PubMed 27058983 (cited by Victorian Clinical Genetics Services, Murdoch Childrens Research Institute).